The following is an entry in ClinVar:

ClinVar aggregate classification (germline): Likely benign. Review status: criteria provided, multiple submitters, no conflicts (2 of 4 stars). 3 submissions from 3 submitters: Likely benign (3). Last evaluated 2024-07-20.

Conditions:
Marfan syndrome (MFS). Also called: MARFAN SYNDROME, TYPE I; Marfan syndrome type 1; Marfan's syndrome; Marfan syndrome, classic; FBN1-Related Marfan Syndrome. Identifiers: Orphanet 284963, Orphanet 558, MedGen C0024796, MONDO:0007947, OMIM 154700.
Familial thoracic aortic aneurysm and aortic dissection (TAAD). Also called: Thoracic aortic aneurysms and dissections. Identifiers: Orphanet 91387, MedGen C4707243, MONDO:0019625.

Submissions (3):

All of Us Research Program, National Institutes of Health
Classification: Likely benign for Marfan syndrome. Last evaluated: 2024-07-20. Review status: criteria provided, single submitter. Criteria: ACMG Guidelines, 2015. Collection method: clinical testing. Allele origin: germline. Inheritance: Autosomal dominant inheritance. Observed: 1 variant allele, 1 heterozygote.
Comment: This study involves interpretation of variants in research participants for the purpose of population health screening. Participant phenotype was not available at the time of variant classification. Additional details can be found in publication PMID: 35346344, PMCID: PMC8962531

Women's Health and Genetics/Laboratory Corporation of America, LabCorp
Classification: Likely benign. Last evaluated: 2024-06-30. Review status: criteria provided, single submitter. Criteria: LabCorp Variant Classification Summary - May 2015. Collection method: clinical testing. Allele origin: germline.

Labcorp Genetics (formerly Invitae), Labcorp
Classification: Likely benign for Marfan syndrome; Familial thoracic aortic aneurysm and aortic dissection. Last evaluated: 2024-03-01. Review status: criteria provided, single submitter. Criteria: Invitae Variant Classification Sherloc (09022015). Collection method: clinical testing. Allele origin: germline.

NM_000138.5(FBN1):c.7725C>T (p.His2575=)

Gene: FBN1 (fibrillin 1; minus strand). Cytogenetic location: 15q21.1.
Variant type: single nucleotide variant.
Coding change: c.7725C>T on transcript NM_000138.5 (MANE Select); coding-DNA position 7725, C replaced by T.
Protein change: p.His2575=; no amino-acid change (histidine 2575 retained).
Molecular consequence: synonymous variant.
Genome position (GRCh38, 1-based): chr15:48,420,781, G>A on the plus strand (C>T on the coding strand, the complement: FBN1 is on the minus strand). VCF-style: chr15-48420781-G-A. GRCh37 (hg19) VCF-style: chr15-48712978-G-A.
Other names: c.7725C>T, p.His2575= (NM_001406716.1).
Identifiers: ClinVar variation 3339794 (VCV003339794.4).